The following is an entry in ClinVar:

NM_015178.3(RHOBTB2):c.1353T>C (p.Ile451=)

Gene: RHOBTB2 (Rho related BTB domain containing 2; plus strand). Cytogenetic location: 8p21.3.
Variant type: single nucleotide variant.
Coding change: c.1353T>C on transcript NM_015178.3 (MANE Select); coding-DNA position 1353, T replaced by C.
Protein change: p.Ile451=; no amino-acid change (isoleucine 451 retained).
Molecular consequence: synonymous variant.
Genome position (GRCh38, 1-based): chr8:23,007,598, T>C. VCF-style: chr8-23007598-T-C. GRCh37 (hg19) VCF-style: chr8-22865111-T-C.
Other names: c.1419T>C, p.Ile473= (NM_001160036.2); c.1374T>C, p.Ile458= (NM_001160037.2); c.1353T>C, p.Ile451= (NM_001374791.1).
Identifiers: ClinVar variation 4873337 (VCV004873337.2).

ClinVar aggregate classification (germline): Likely benign (1 of 4 stars; one submission).

gnomAD v4.1: 1 of 1,614,028 alleles (0.000062%); highest among the groups gnomAD compares: Non-Finnish European, 0.000085%; no homozygotes.

Submission:

CeGaT Center for Human Genetics Tuebingen
Classification: Likely benign. Last evaluated: 2026-05-01. Review status: criteria provided, single submitter. Criteria: CeGaT Center For Human Genetics Tuebingen Variant Classification Criteria Version 2. Collection method: clinical testing. Allele origin: germline. Affected: yes. Observed: 1 variant allele.
Comment: RHOBTB2: BP4, BP7